The following is an entry in ClinVar:

ClinVar aggregate classification (germline): Pathogenic (1 of 4 stars; one submission).

Conditions:
Mucopolysaccharidosis, MPS-II (MPS2). Also called: Hunter Syndrome; IDURONATE 2-SULFATASE DEFICIENCY; Mucopolysaccharidosis Type II; Mucopolysaccharidosis type 2; Attenuated MPS (subtype; formerly known as mild MPS II); Severe MPS II. Identifiers: Orphanet 580, Orphanet 79388, MedGen C0026705, MONDO:0010674, OMIM 309900.

Submission:

Laboratory of Diagnosis and Therapy of Lysosomal Disorders, University of Padova
Classification: Pathogenic for Mucopolysaccharidosis, MPS-II. Last evaluated: 2024-06-07. Review status: criteria provided, single submitter. Criteria: ACMG Guidelines, 2015. Collection method: literature only. Allele origin: germline. Affected: yes. Observed: 1 variant allele.
Comment: Null variant (PVS1_Strong), De novo (PS2_Moderate), Absent from controls (or at low frequency) in gnomAD database (PM2_Moderate), Patient’s phenotype or family history highly specific for the disease (PP4_Strong)

Classification method: ACMG Guidelines [PMID:25741868] with modifications

Literature cited by the submitters: PubMed 9452044.

NM_000202.8(IDS):c.1229dup (p.Ala411fs)

Gene: IDS (iduronate 2-sulfatase; minus strand). Cytogenetic location: Xq28.
Variant type: Duplication.
Coding change: c.1229dup on transcript NM_000202.8 (MANE Select); coding-DNA position 1229, one base duplicated (T; older notation c.1229dupT).
Protein change: p.Ala411fs; shifts the reading frame from alanine 411.
Molecular consequence: frameshift variant.
Genome position (GRCh38, 1-based): chrX:149,483,170, A duplicated on the plus strand (T on the coding strand, the reverse complement: IDS is on the minus strand). VCF-style (leftmost placement, unchanged base first): chrX-149483169-C-CA. GRCh37 (hg19) VCF-style: chrX-148564700-C-CA.
Other names: c.959dup, p.Ala321fs (NM_001166550.4); short protein forms A321fs, A411fs.
Identifiers: ClinVar variation 3255998 (VCV003255998.2).